The following is an entry in ClinVar:

NM_002430.3(MN1):c.-12C>A

Gene: MN1 (MN1 proto-oncogene, transcriptional regulator; minus strand). Cytogenetic location: 22q12.1.
Variant type: single nucleotide variant.
Coding change: c.-12C>A on transcript NM_002430.3 (MANE Select); 12 bases upstream of the start codon, C replaced by A.
Molecular consequence: 5 prime UTR variant.
Genome position (GRCh38, 1-based): chr22:27,800,555, G>T on the plus strand (C>A on the coding strand, the complement: MN1 is on the minus strand). VCF-style: chr22-27800555-G-T. GRCh37 (hg19) VCF-style: chr22-28196543-G-T.
Identifiers: ClinVar variation 4536971 (VCV004536971.1).

ClinVar aggregate classification (germline): Uncertain significance (1 of 4 stars; one submission).

Submission:

Women's Health and Genetics/Laboratory Corporation of America, LabCorp
Classification: Uncertain significance. Last evaluated: 2025-11-07. Review status: criteria provided, single submitter. Criteria: LabCorp Variant Classification Summary - May 2015. Collection method: clinical testing. Allele origin: germline.
Comment: Variant summary: MN1 c.-12C>A is located in the untranslated mRNA region upstream of the initiation codon. The variant was absent in 1613862 control chromosomes. The available data on variant occurrences in the general population are insufficient to allow any conclusion about variant significance. To our knowledge, no occurrence of c.-12C>A in individuals affected with MN1-related conditions and no experimental evidence demonstrating its impact on protein function have been reported. No submitters have cited clinical-significance assessments for this variant to ClinVar. Based on the evidence outlined above, the variant was classified as uncertain significance.